The following is an entry in ClinVar:

NM_001256545.2(MEGF10):c.2531G>C (p.Arg844Pro)

Gene: MEGF10 (multiple EGF like domains 10; plus strand). Cytogenetic location: 5q23.2.
Variant type: single nucleotide variant.
Coding change: c.2531G>C on transcript NM_001256545.2 (MANE Select); coding-DNA position 2531, G replaced by C.
Protein change: p.Arg844Pro; replaces arginine 844 with proline.
Molecular consequence: missense variant.
Genome position (GRCh38, 1-based): chr5:127,445,496, G>C. VCF-style: chr5-127445496-G-C. GRCh37 (hg19) VCF-style: chr5-126781188-G-C.
Other names: c.2531G>C, p.Arg844Pro (NM_032446.3); short protein forms R844P.
Identifiers: ClinVar variation 1003796 (VCV001003796.12), dbSNP rs138372925, ClinGen allele CA360734607.

ClinVar aggregate classification (germline): Uncertain significance (1 of 4 stars; one submission).

Conditions:
MEGF10-related myopathy (CMYO10A). Also called: Congenital myopathy 10A, severe variant. Identifiers: Orphanet 439212, MedGen C3280679, MONDO:0013731, OMIM 614399.

Submission:

Labcorp Genetics (formerly Invitae), Labcorp
Classification: Uncertain significance for MEGF10-related myopathy. Last evaluated: 2022-07-23. Review status: criteria provided, single submitter. Criteria: Invitae Variant Classification Sherloc (09022015). Collection method: clinical testing. Allele origin: germline.
Comment: This variant is not present in population databases (gnomAD no frequency). This sequence change replaces arginine, which is basic and polar, with proline, which is neutral and non-polar, at codon 844 of the MEGF10 protein (p.Arg844Pro). This variant has not been reported in the literature in individuals affected with MEGF10-related conditions. ClinVar contains an entry for this variant (Variation ID: 1003796). Algorithms developed to predict the effect of missense changes on protein structure and function are either unavailable or do not agree on the potential impact of this missense change (SIFT: "Deleterious"; PolyPhen-2: "Benign"; Align-GVGD: "Class C0"). In summary, the available evidence is currently insufficient to determine the role of this variant in disease. Therefore, it has been classified as a Variant of Uncertain Significance.